The following is an entry in ClinVar:

NM_003126.4(SPTA1):c.548C>G (p.Ser183Ter)

Gene: SPTA1 (spectrin alpha, erythrocytic 1; minus strand). Cytogenetic location: 1q23.1.
Variant type: single nucleotide variant.
Coding change: c.548C>G on transcript NM_003126.4 (MANE Select); coding-DNA position 548, C replaced by G.
Protein change: p.Ser183Ter; replaces serine 183 with a stop codon.
Molecular consequence: nonsense.
Genome position (GRCh38, 1-based): chr1:158,680,713, G>C on the plus strand (C>G on the coding strand, the complement: SPTA1 is on the minus strand). VCF-style: chr1-158680713-G-C. GRCh37 (hg19) VCF-style: chr1-158650503-G-C.
Other names: short protein forms S183*.
Identifiers: ClinVar variation 4884307 (VCV004884307.1).

ClinVar aggregate classification (germline): Pathogenic (1 of 4 stars; one submission).

Conditions:
Rare anaemia.

Submission:

North West Genomic Laboratory Hub, Manchester University NHS Foundation Trust
Classification: Pathogenic for Rare anaemia. Last evaluated: 2024-09-06. Review status: criteria provided, single submitter. Criteria: ACGS Best Practice Guidelines for Variant Classification in Rare Disease 2020. Collection method: clinical testing. Allele origin: germline. Affected: yes.
Comment: PM2_Mod PVS1_VStr